The following is an entry in ClinVar:

ClinVar aggregate classification (germline): Likely pathogenic. Review status: criteria provided, multiple submitters, no conflicts (2 of 4 stars). 3 submissions from 3 submitters: Likely pathogenic (3). Last evaluated 2025-10-28.

Conditions:
Ehlers-Danlos syndrome, type 4 (EDSVASC). Also called: Ehlers-Danlos syndrome vascular type; Ehlers Danlos syndrome, ecchymotic type; Ehlers Danlos syndrome, arterial type; Ehlers Danlos syndrome, Sack-Barabas type; Ehlers-Danlos Syndrome Type IV. Identifiers: Orphanet 286, MedGen C0268338, MONDO:0017314, OMIM 130050.

Submissions (3):

Women's Health and Genetics/Laboratory Corporation of America, LabCorp
Classification: Likely pathogenic for Ehlers-Danlos syndrome, type 4. Last evaluated: 2025-10-28. Review status: criteria provided, single submitter. Criteria: LabCorp Variant Classification Summary - May 2015. Collection method: clinical testing. Allele origin: germline.
Comment: Variant summary: COL3A1 c.2950G>A (p.Gly984Arg) results in a non-conservative amino acid change in the encoded protein sequence. This variant disrupts the triple helix domain of COL3A1. Glycine residues within the Gly-Xaa-Yaa repeats of the triple helix domain are required for the structure and stability of fibrillar collagens (PMID: 7695699, 8218237, 19344236). Algorithms developed to predict the effect of missense changes on protein structure and function all suggest that this variant is likely to be disruptive. The variant was absent in 251448 control chromosomes. c.2950G>A has been reported in the literature in at least one individual affected with Ehlers-Danlos Syndrome, Vascular Type (e.g. Deng_2015). The following publication has been ascertained in the context of this evaluation (PMID: 25776230). ClinVar contains an entry for this variant (Variation ID: 1177285). Based on the evidence outlined above, the variant was classified as likely pathogenic.

GeneDx
Classification: Likely pathogenic. Last evaluated: 2025-01-13. Review status: criteria provided, single submitter. Criteria: GeneDx Variant Classification Process June 2021. Collection method: clinical testing. Allele origin: germline. Affected: yes.
Comment: Occurs in the triple helical domain and replaces the glycine in the canonical Gly-X-Y repeat; missense substitution of a canonical glycine residue is expected to disrupt normal protein folding and function, and this is an established mechanism of disease (HGMD); Not observed at significant frequency in large population cohorts (gnomAD); In silico analysis supports that this missense variant has a deleterious effect on protein structure/function; This variant is associated with the following publications: (PMID: 25776230)

Labcorp Genetics (formerly Invitae), Labcorp
Classification: Likely pathogenic for Ehlers-Danlos syndrome, type 4. Last evaluated: 2024-02-18. Review status: criteria provided, single submitter. Criteria: Invitae Variant Classification Sherloc (09022015). Collection method: clinical testing. Allele origin: germline.
Comment: This sequence change replaces glycine, which is neutral and non-polar, with arginine, which is basic and polar, at codon 984 of the COL3A1 protein (p.Gly984Arg). This variant is not present in population databases (gnomAD no frequency). This missense change has been observed in individual(s) with clinical features of vascular Ehlers-Danlos syndrome (PMID: 25776230). ClinVar contains an entry for this variant (Variation ID: 1177285). Advanced modeling of protein sequence and biophysical properties (such as structural, functional, and spatial information, amino acid conservation, physicochemical variation, residue mobility, and thermodynamic stability) performed at Invitae indicates that this missense variant is expected to disrupt COL3A1 protein function with a positive predictive value of 95%. This variant disrupts the triple helix domain of COL3A1. Glycine residues within the Gly-Xaa-Yaa repeats of the triple helix domain are required for the structure and stability of fibrillar collagens (PMID: 7695699, 8218237, 19344236). In COL3A1, variants that affect these glycine residues are significantly enriched in individuals with disease (PMID: 24922459, 25758994) compared to the general population (ExAC). This variant disrupts the p.Gly984 amino acid residue in COL3A1. Other variant(s) that disrupt this residue have been observed in individuals with COL3A1-related conditions (PMID: 25758994, 25776230), which suggests that this may be a clinically significant amino acid residue. In summary, the currently available evidence indicates that the variant is pathogenic, but additional data are needed to prove that conclusively. Therefore, this variant has been classified as Likely Pathogenic.

Literature cited by the submitters: PubMed 25776230 (cited by Women's Health and Genetics/Laboratory Corporation of America, LabCorp and Labcorp Genetics (formerly Invitae), Labcorp); PubMed 7695699 (cited by Labcorp Genetics (formerly Invitae), Labcorp); PubMed 8218237 (cited by Labcorp Genetics (formerly Invitae), Labcorp); PubMed 19344236 (cited by Labcorp Genetics (formerly Invitae), Labcorp); PubMed 24922459 (cited by Labcorp Genetics (formerly Invitae), Labcorp); PubMed 25758994 (cited by Labcorp Genetics (formerly Invitae), Labcorp).

NM_000090.4(COL3A1):c.2950G>A (p.Gly984Arg)

Gene: COL3A1 (collagen type III alpha 1 chain; plus strand). Cytogenetic location: 2q32.2.
Variant type: single nucleotide variant.
Coding change: c.2950G>A on transcript NM_000090.4 (MANE Select); coding-DNA position 2950, G replaced by A.
Protein change: p.Gly984Arg; replaces glycine 984 with arginine.
Molecular consequence: missense variant.
Genome position (GRCh38, 1-based): chr2:189,005,368, G>A. VCF-style: chr2-189005368-G-A. GRCh37 (hg19) VCF-style: chr2-189870094-G-A.
Other names: short protein forms G984R.
Identifiers: ClinVar variation 1177285 (VCV001177285.5), dbSNP rs2153503630, ClinGen allele CA349844710.
Genomic context (GRCh38, chr2:189,005,368, plus strand): 5'-TCTTAAGTTGAAACAAAATGTTTTTCATTCCTTTGTATACAGGGTGAAAGTGGGAAACCA[G>A]GAGCTAACGGTCTCAGTGGAGAACGTGGTCCCCCTGGACCCCAGGGTCTTCCTGGTCTGG-3'
Protein context (NP_000081.2, residues 974-994): QGVKGESGKP[Gly984Arg]ANGLSGERGP